The following is an entry in ClinVar:

ClinVar aggregate classification (germline): Uncertain significance. Review status: criteria provided, multiple submitters, no conflicts (2 of 4 stars). 3 submissions from 3 submitters: Uncertain significance (3). Last evaluated 2025-11-17.

Conditions:
ARX-related disorder. Also called: ARX-related condition; ARX-Related Disorders. Identifiers: MedGen CN378769.
Intellectual disability, X-linked, with or without seizures, ARX-related. Also called: MENTAL RETARDATION, X-LINKED 29; MENTAL RETARDATION, X-LINKED 32; MENTAL RETARDATION, X-LINKED 33; MENTAL RETARDATION, X-LINKED 38; MENTAL RETARDATION, X-LINKED 43; MENTAL RETARDATION, X-LINKED 76. Identifiers: Orphanet 777, MedGen C0796244, MONDO:0010317, OMIM 300419.
Developmental and epileptic encephalopathy, 1 (DEE1). Also called: OHTAHARA SYNDROME, X-LINKED; INFANTILE SPASM SYNDROME, X-LINKED 1; X-linked infantile spasms; West's syndrome; Tonic spasms with clustering, arrest of psychomotor development and hypsarrhythmia on EEG; X-Linked Infantile Spasm Syndrome. Identifiers: MedGen C3463992, MONDO:0010632, OMIM 308350. Disease mechanism: loss of function.

Allele frequency attached by ClinVar (database versions not stated): TOPMed 0.00005.

Submissions (3):

Labcorp Genetics (formerly Invitae), Labcorp
Classification: Uncertain significance for Developmental and epileptic encephalopathy, 1; Intellectual disability, X-linked, with or without seizures, ARX-related. Last evaluated: 2025-11-17. Review status: criteria provided, single submitter. Criteria: Invitae Variant Classification Sherloc (09022015). Collection method: clinical testing. Allele origin: germline.
Comment: This sequence change replaces proline, which is neutral and non-polar, with glutamine, which is neutral and polar, at codon 215 of the ARX protein (p.Pro215Gln). This variant is not present in population databases (gnomAD no frequency). This variant has not been reported in the literature in individuals affected with ARX-related conditions. ClinVar contains an entry for this variant (Variation ID: 384600). Invitae Evidence Modeling of protein sequence and biophysical properties (such as structural, functional, and spatial information, amino acid conservation, physicochemical variation, residue mobility, and thermodynamic stability) indicates that this missense variant is not expected to disrupt ARX protein function with a negative predictive value of 95%. In summary, the available evidence is currently insufficient to determine the role of this variant in disease. Therefore, it has been classified as a Variant of Uncertain Significance.

PreventionGenetics, part of Exact Sciences
Classification: Uncertain significance for ARX-related condition. Last evaluated: 2024-11-25. Review status: criteria provided, single submitter. Criteria: ACMG Guidelines, 2015. Collection method: clinical testing. Allele origin: germline.
Comment: The ARX c.644C>A variant is predicted to result in the amino acid substitution p.Pro215Gln. To our knowledge, this variant has not been reported in the literature. This variant is reported in 0.0% of alleles in individuals of African descent in gnomAD. At this time, the clinical significance of this variant is uncertain due to the absence of conclusive functional and genetic evidence.

GeneDx
Classification: Uncertain significance. Last evaluated: 2016-03-22. Review status: criteria provided, single submitter. Criteria: GeneDx Variant Classification (06012015). Collection method: clinical testing. Allele origin: germline. Affected: yes.
Comment: A variant of uncertain significance has been identified in the ARX gene. The P215Q variant has notbeen published as a pathogenic variant, nor has it been reported as a benign variant to our knowledge.It was not observed in approximately 4,700 individuals of European and African American ancestry inthe NHLBI Exome Sequencing Project, indicating it is not a common benign variant in thesepopulations. The P215Q variant is a non-conservative amino acid substitution, which is likely toimpact secondary protein structure as these residues differ in polarity, charge, size and/or otherproperties. However, this substitution occurs at a position that is not conserved and in silico analysispredicts this variant likely does not alter the protein structure/function. Therefore, based on thecurrently available information, it is unclear whether this variant is a pathogenic variant or a rarebenign variant.

NM_139058.3(ARX):c.644C>A (p.Pro215Gln)

Gene: ARX (aristaless related homeobox; minus strand). Cytogenetic location: Xp21.3.
Variant type: single nucleotide variant.
Coding change: c.644C>A on transcript NM_139058.3 (MANE Select); coding-DNA position 644, C replaced by A.
Protein change: p.Pro215Gln; replaces proline 215 with glutamine.
Molecular consequence: missense variant.
Genome position (GRCh38, 1-based): chrX:25,013,351, G>T on the plus strand (C>A on the coding strand, the complement: ARX is on the minus strand). VCF-style: chrX-25013351-G-T. GRCh37 (hg19) VCF-style: chrX-25031468-G-T.
Other names: short protein forms P215Q.
Identifiers: ClinVar variation 384600 (VCV000384600.7), dbSNP rs964935114, ClinGen allele CA16608871.